The following is an entry in ClinVar:

NC_000007.14:g.(?_21710533)_(21711880_?)dup

Gene: DNAH11 (dynein axonemal heavy chain 11; plus strand). Cytogenetic location: 7p15.3.
Variant type: Duplication.
Identifiers: ClinVar variation 832488 (VCV000832488.16).

ClinVar aggregate classification (germline): Uncertain significance (1 of 4 stars; one submission).

Conditions:
Primary ciliary dyskinesia. Also called: Ciliary dyskinesia. Identifiers: Orphanet 244, MedGen C0008780, MONDO:0016575, HP:0012265.

Submission:

Labcorp Genetics (formerly Invitae), Labcorp
Classification: Uncertain significance for Primary ciliary dyskinesia. Last evaluated: 2019-08-20. Review status: criteria provided, single submitter. Criteria: Invitae Variant Classification Sherloc (09022015). Collection method: clinical testing. Allele origin: germline.
Comment: In summary, the available evidence is currently insufficient to determine the role of this variant in disease. Therefore, it has been classified as a Variant of Uncertain Significance. This variant has been observed in combination with another DNAH11 variant in an individual affected with primary ciliary dyskinesia (PMID: 30067075). This variant is a gross duplication of the genomic region encompassing exons 41-42 of the DNAH11 gene. While the exact position of the duplicated exons cannot be determined from this data, the duplicated copy of this region is likely in tandem and in-frame, therefore preserving the integrity of the reading frame.

Literature cited by the submitters: PubMed 30067075.